The following is an entry in ClinVar:

NM_002948.5(RPL15):c.514C>T (p.Arg172Cys)

Genes: NKIRAS1 (NFKB inhibitor interacting Ras like 1; minus strand), RPL15 (ribosomal protein L15; plus strand). Cytogenetic location: 3p24.2.
Variant type: single nucleotide variant.
Coding change: c.514C>T on transcript NM_002948.5 (MANE Select); coding-DNA position 514, C replaced by T.
Protein change: p.Arg172Cys; replaces arginine 172 with cysteine.
Molecular consequence: missense variant. On other transcripts: intron variant (2).
Genome position (GRCh38, 1-based): chr3:23,919,400, C>T. VCF-style: chr3-23919400-C-T. GRCh37 (hg19) VCF-style: chr3-23960891-C-T.
Other names: c.514C>T, p.Arg172Cys (NM_001253379.2, NM_001253380.2, NM_001253382.2 and 1 more transcripts); c.-139-7950G>A (NM_001377380.1); c.360+154C>T (NM_001253384.2); short protein forms R172C.
Identifiers: ClinVar variation 1308828 (VCV001308828.4), dbSNP rs2125256159, ClinGen allele CA351882594.

ClinVar aggregate classification (germline): Uncertain significance (1 of 4 stars; one submission).

Allele frequency attached by ClinVar (database versions not stated): gnomAD exomes 0.00001.
gnomAD v4.1: 11 of 1,603,264 alleles (0.00069%); highest among the groups gnomAD compares: East Asian, 0.0022%; no homozygotes.

Submission:

GeneDx
Classification: Uncertain significance. Last evaluated: 2022-04-26. Review status: criteria provided, single submitter. Criteria: GeneDx Variant Classification Process June 2021. Collection method: clinical testing. Allele origin: germline. Affected: yes.
Comment: Not observed at significant frequency in large population cohorts (gnomAD); In silico analysis supports that this missense variant has a deleterious effect on protein structure/function; Has not been previously published as pathogenic or benign to our knowledge; De novo variant with confirmed parentage